The following is an entry in ClinVar:

NM_005154.5(USP8):c.1129A>G (p.Ile377Val)

Gene: USP8 (ubiquitin specific peptidase 8; plus strand). Cytogenetic location: 15q21.2.
Variant type: single nucleotide variant.
Coding change: c.1129A>G on transcript NM_005154.5 (MANE Select); coding-DNA position 1129, A replaced by G.
Protein change: p.Ile377Val; replaces isoleucine 377 with valine.
Molecular consequence: missense variant.
Genome position (GRCh38, 1-based): chr15:50,477,410, A>G. VCF-style: chr15-50477410-A-G. GRCh37 (hg19) VCF-style: chr15-50769607-A-G.
Other names: c.1129A>G, p.Ile377Val (NM_001128610.3); c.898A>G, p.Ile300Val (NM_001283049.2); short protein forms I377V, I300V.
Identifiers: ClinVar variation 862796 (VCV000862796.10), dbSNP rs373704916, ClinGen allele CA7555663.

ClinVar aggregate classification (germline): Uncertain significance (1 of 4 stars; one submission).

Conditions:
Hereditary spastic paraplegia. Also called: Familial spastic paraparesis. Identifiers: Orphanet 685, MedGen C0037773, MONDO:0019064. Disease mechanism: loss of function.

Allele frequency attached by ClinVar (database versions not stated): gnomAD 0.00001 and 0.00002; gnomAD exomes 0.00001 and 0.00004; TOPMed 0.00002; ExAC 0.00005; 1000 Genomes Project 30x 0.00016; 1000 Genomes Project 0.00020.
gnomAD v4.1: 31 of 1,614,188 alleles (0.0019%); highest among the groups gnomAD compares: East Asian, 0.016%; no homozygotes.

Submission:

Labcorp Genetics (formerly Invitae), Labcorp
Classification: Uncertain significance for Hereditary spastic paraplegia. Last evaluated: 2025-06-09. Review status: criteria provided, single submitter. Criteria: Invitae Variant Classification Sherloc (09022015). Collection method: clinical testing. Allele origin: germline.
Comment: This sequence change replaces isoleucine, which is neutral and non-polar, with valine, which is neutral and non-polar, at codon 377 of the USP8 protein (p.Ile377Val). This variant is present in population databases (rs373704916, gnomAD 0.03%). This variant has not been reported in the literature in individuals affected with USP8-related conditions. ClinVar contains an entry for this variant (Variation ID: 862796). An algorithm developed to predict the effect of missense changes on protein structure and function outputs the following: PolyPhen-2: "Benign". The valine amino acid residue is found in multiple mammalian species, which suggests that this missense change does not adversely affect protein function. In summary, the available evidence is currently insufficient to determine the role of this variant in disease. Therefore, it has been classified as a Variant of Uncertain Significance.